The following is an entry in ClinVar:

NM_017617.5(NOTCH1):c.4328C>T (p.Pro1443Leu)

Gene: NOTCH1 (notch receptor 1; minus strand). Cytogenetic location: 9q34.3.
Variant type: single nucleotide variant.
Coding change: c.4328C>T on transcript NM_017617.5 (MANE Select); coding-DNA position 4328, C replaced by T.
Protein change: p.Pro1443Leu; replaces proline 1443 with leucine.
Molecular consequence: missense variant.
Genome position (GRCh38, 1-based): chr9:136,505,568, G>A on the plus strand (C>T on the coding strand, the complement: NOTCH1 is on the minus strand). VCF-style: chr9-136505568-G-A. GRCh37 (hg19) VCF-style: chr9-139400020-G-A.
Other names: short protein forms P1443L.
Identifiers: ClinVar variation 1492613 (VCV001492613.12), dbSNP rs750010764, ClinGen allele CA5340639.

ClinVar aggregate classification (germline): Conflicting classifications of pathogenicity. Review status: criteria provided, conflicting classifications (1 of 4 stars). 3 submissions from 3 submitters: Uncertain significance (1); Likely benign (2). Last evaluated 2025-11-23.

Conditions:
Adams-Oliver syndrome 5 (AOS5). Identifiers: Orphanet 974, MedGen C4014970, MONDO:0014459, OMIM 616028.
Familial thoracic aortic aneurysm and aortic dissection (TAAD). Also called: Thoracic aortic aneurysms and dissections. Identifiers: Orphanet 91387, MedGen C4707243, MONDO:0019625.

Allele frequency attached by ClinVar (database versions not stated): TOPMed 0.00003; gnomAD 0.00005 and 0.00006; gnomAD exomes 0.00005; ExAC 0.00006.
gnomAD v4.1: 37 of 1,610,520 alleles (0.0023%); highest among the groups gnomAD compares: African/African-American, 0.0067%; no homozygotes.

Submissions (3):

Labcorp Genetics (formerly Invitae), Labcorp
Classification: Likely benign for Adams-Oliver syndrome 5. Last evaluated: 2025-11-23. Review status: criteria provided, single submitter. Criteria: Invitae Variant Classification Sherloc (09022015). Collection method: clinical testing. Allele origin: germline.

Ambry Genetics
Classification: Uncertain significance for Familial thoracic aortic aneurysm and aortic dissection. Last evaluated: 2024-12-26. Review status: criteria provided, single submitter. Criteria: Ambry Variant Classification Scheme 2023. Collection method: clinical testing. Allele origin: germline.
Comment: The p.P1443L variant (also known as c.4328C>T), located in coding exon 25 of the NOTCH1 gene, results from a C to T substitution at nucleotide position 4328. The proline at codon 1443 is replaced by leucine, an amino acid with similar properties. This variant has been detected in an individual from a thoracic aortic aneurysms and dissections cohort (Li J et al. Mol Genet Genomic Med. 2021 Oct;9(10):e1800). This amino acid position is conserved. In addition, this alteration is predicted to be tolerated by in silico analysis. Based on the available evidence, the clinical significance of this variant remains unclear.

Women's Health and Genetics/Laboratory Corporation of America, LabCorp
Classification: Likely benign. Last evaluated: 2024-07-01. Review status: criteria provided, single submitter. Criteria: LabCorp Variant Classification Summary - May 2015. Collection method: clinical testing. Allele origin: germline.
Comment: Variant summary: NOTCH1 c.4328C>T (p.Pro1443Leu) results in a non-conservative amino acid change located in the Notch domain (IPR000800) of the encoded protein sequence. Four of five in-silico tools predict a damaging effect of the variant on protein function. The variant allele was found at a frequency of 4.5e-05 in 241766 control chromosomes. The observed variant frequency is approximately 72.8 fold of the estimated maximal expected allele frequency for a pathogenic variant in NOTCH1 causing Adams-Oliver Syndrome 5 phenotype (6.3e-07). c.4328C>T has been reported in the literature in individuals affected with aortic aneurysm (e.g., Li_2021). However, this report does not provide unequivocal conclusions about association of the variant with Adams-Oliver Syndrome 5. To our knowledge, no experimental evidence demonstrating an impact on protein function has been reported. The following publication have been ascertained in the context of this evaluation (PMID: 34498425). ClinVar contains an entry for this variant (Variation ID: 1492613). Based on the evidence outlined above, the variant was classified as likely benign.

Literature cited by the submitters: PubMed 34498425 (cited by Ambry Genetics and Women's Health and Genetics/Laboratory Corporation of America, LabCorp).